The following is an entry in ClinVar:

NM_001378454.1(ALMS1):c.819T>C (p.Val273=)

Gene: ALMS1 (ALMS1 centrosome and basal body associated protein; plus strand). Cytogenetic location: 2p13.1.
Variant type: single nucleotide variant.
Coding change: c.819T>C on transcript NM_001378454.1 (MANE Select); coding-DNA position 819, T replaced by C.
Protein change: p.Val273=; no amino-acid change (valine 273 retained).
Molecular consequence: synonymous variant.
Genome position (GRCh38, 1-based): chr2:73,424,484, T>C. VCF-style: chr2-73424484-T-C. GRCh37 (hg19) VCF-style: chr2-73651612-T-C.
Other names: c.822T>C, p.Val274= (NM_015120.4).
Identifiers: ClinVar variation 4986842 (VCV004986842.1).

ClinVar aggregate classification (germline): Likely benign (1 of 4 stars; one submission).

Conditions:
ALMS1-related disorder. Also called: ALMS1-related condition.

gnomAD v4.1: 1 of 1,603,960 alleles (0.000062%); highest among the groups gnomAD compares: South Asian, 0.0011%; no homozygotes.

Submission:

PreventionGenetics, part of Exact Sciences
Classification: Likely benign for ALMS1-related condition. Last evaluated: 2026-04-03. Review status: criteria provided, single submitter. Criteria: ACMG Guidelines, 2015. Collection method: clinical testing. Allele origin: germline.
Comment: This variant is classified as likely benign based on ACMG/AMP sequence variant interpretation guidelines (Richards et al. 2015 PMID: 25741868, with internal and published modifications).